The following is an entry in ClinVar:

ClinVar aggregate classification (germline): Uncertain significance. Review status: criteria provided, multiple submitters, no conflicts (2 of 4 stars). 3 submissions from 3 submitters: Uncertain significance (3). Last evaluated 2024-10-20.

Conditions:
Inborn genetic diseases. Identifiers: MedGen C0950123, MeSH D030342.

Allele frequency attached by ClinVar (database versions not stated): ExAC 0.00002; gnomAD 0.00002; TOPMed 0.00002; gnomAD exomes 0.00003.
gnomAD v4.1: 47 of 1,613,988 alleles (0.0029%); highest among the groups gnomAD compares: East Asian, 0.0067%; no homozygotes.

Submissions (3):

Ambry Genetics
Classification: Uncertain significance for Inborn genetic diseases. Last evaluated: 2024-10-20. Review status: criteria provided, single submitter. Criteria: Ambry Variant Classification Scheme 2023. Collection method: clinical testing. Allele origin: germline.

Labcorp Genetics (formerly Invitae), Labcorp
Classification: Uncertain significance. Last evaluated: 2024-07-08. Review status: criteria provided, single submitter. Criteria: Invitae Variant Classification Sherloc (09022015). Collection method: clinical testing. Allele origin: germline.
Comment: This sequence change replaces arginine, which is basic and polar, with cysteine, which is neutral and slightly polar, at codon 806 of the PDE6A protein (p.Arg806Cys). This variant is present in population databases (rs771530664, gnomAD 0.005%). This variant has not been reported in the literature in individuals affected with PDE6A-related conditions. ClinVar contains an entry for this variant (Variation ID: 859906). Advanced modeling of protein sequence and biophysical properties (such as structural, functional, and spatial information, amino acid conservation, physicochemical variation, residue mobility, and thermodynamic stability) performed at Invitae indicates that this missense variant is expected to disrupt PDE6A protein function with a positive predictive value of 80%. In summary, the available evidence is currently insufficient to determine the role of this variant in disease. Therefore, it has been classified as a Variant of Uncertain Significance.

Blueprint Genetics
Classification: Uncertain significance. Last evaluated: 2022-06-13. Review status: criteria provided, single submitter. Criteria: ACMG Guidelines, 2015. Collection method: clinical testing. Allele origin: germline.

NM_000440.3(PDE6A):c.2416C>T (p.Arg806Cys)

Gene: PDE6A (phosphodiesterase 6A; minus strand). Cytogenetic location: 5q32.
Variant type: single nucleotide variant.
Coding change: c.2416C>T on transcript NM_000440.3 (MANE Select); coding-DNA position 2416, C replaced by T.
Protein change: p.Arg806Cys; replaces arginine 806 with cysteine.
Molecular consequence: missense variant.
Genome position (GRCh38, 1-based): chr5:149,863,209, G>A on the plus strand (C>T on the coding strand, the complement: PDE6A is on the minus strand). VCF-style: chr5-149863209-G-A. GRCh37 (hg19) VCF-style: chr5-149242772-G-A.
Other names: short protein forms R806C.
Identifiers: ClinVar variation 859906 (VCV000859906.13), dbSNP rs771530664, ClinGen allele CA3504281.